The following is an entry in ClinVar:

ClinVar aggregate classification (germline): Uncertain significance (1 of 4 stars; one submission).

Conditions:
Hereditary cancer-predisposing syndrome. Also called: Tumor predisposition; Hereditary Cancer Syndrome; Hereditary neoplastic syndrome; Neoplastic Syndromes, Hereditary. Identifiers: Orphanet 140162, MedGen C0027672, MeSH D009386, MONDO:0015356.

Submission:

Ambry Genetics
Classification: Uncertain significance for Hereditary cancer-predisposing syndrome. Last evaluated: 2025-11-05. Review status: criteria provided, single submitter. Criteria: Ambry Variant Classification Scheme 2023. Collection method: clinical testing. Allele origin: germline.
Comment: The p.P102T variant (also known as c.304C>A), located in coding exon 1 of the VHL gene, results from a C to A substitution at nucleotide position 304. The proline at codon 102 is replaced by threonine, an amino acid with highly similar properties. This variant was determined to be functionally neutral in one saturation genome editing assay (Buckley M et al. Nat Genet, 2024 Jul;56:1446-1455). This amino acid position is not well conserved in available vertebrate species. In addition, the in silico prediction for this alteration is inconclusive. Based on the available evidence, the clinical significance of this variant remains unclear.

Literature cited by the submitters: PubMed 38969834.

NM_000551.4(VHL):c.304C>A (p.Pro102Thr)

Gene: VHL (von Hippel-Lindau tumor suppressor; plus strand). Cytogenetic location: 3p25.3.
Variant type: single nucleotide variant.
Coding change: c.304C>A on transcript NM_000551.4 (MANE Select); coding-DNA position 304, C replaced by A.
Protein change: p.Pro102Thr; replaces proline 102 with threonine.
Molecular consequence: missense variant. On other transcripts: non-coding transcript variant (1).
Genome position (GRCh38, 1-based): chr3:10,142,151, C>A. VCF-style: chr3-10142151-C-A. GRCh37 (hg19) VCF-style: chr3-10183835-C-A.
Other names: c.304C>A, p.Pro102Thr (NM_001354723.2, NM_198156.3); short protein forms P102T.
Identifiers: ClinVar variation 4558158 (VCV004558158.1).
Genomic context (GRCh38, chr3:10,142,151, plus strand): 5'-CGCGTCGTGCTGCCCGTATGGCTCAACTTCGACGGCGAGCCGCAGCCCTACCCAACGCTG[C>A]CGCCTGGCACGGGCCGCCGCATCCACAGCTACCGAGGTACGGGCCCGGCGCTTAGGCCCG-3'
Protein context (NP_000542.1, residues 92-112): DGEPQPYPTL[Pro102Thr]PGTGRRIHSY